The following is an entry in ClinVar:

NM_015259.6(ICOSLG):c.620G>C (p.Arg207Pro)

Gene: ICOSLG (inducible T cell costimulator ligand; minus strand). Cytogenetic location: 21q22.3.
Variant type: single nucleotide variant.
Coding change: c.620G>C on transcript NM_015259.6 (MANE Select); coding-DNA position 620, G replaced by C.
Protein change: p.Arg207Pro; replaces arginine 207 with proline.
Molecular consequence: missense variant.
Genome position (GRCh38, 1-based): chr21:44,235,349, C>G on the plus strand (G>C on the coding strand, the complement: ICOSLG is on the minus strand). VCF-style: chr21-44235349-C-G. GRCh37 (hg19) VCF-style: chr21-45655232-C-G.
Other names: c.620G>C, p.Arg207Pro (NM_001283050.2, NM_001395918.1); c.269G>C, p.Arg90Pro (NM_001283051.2); c.365G>C, p.Arg122Pro (NM_001283052.2); c.539G>C, p.Arg180Pro (NM_001365759.2); short protein forms R122P, R180P, R207P, R90P.
Identifiers: ClinVar variation 4723680 (VCV004723680.1).

ClinVar aggregate classification (germline): Uncertain significance (1 of 4 stars; one submission).

Submission:

Labcorp Genetics (formerly Invitae), Labcorp
Classification: Uncertain significance. Last evaluated: 2025-07-21. Review status: criteria provided, single submitter. Criteria: Invitae Variant Classification Sherloc (09022015). Collection method: clinical testing. Allele origin: germline.
Comment: This sequence change replaces arginine, which is basic and polar, with proline, which is neutral and non-polar, at codon 207 of the ICOSLG protein (p.Arg207Pro). This variant is not present in population databases (gnomAD no frequency). This variant has not been reported in the literature in individuals affected with ICOSLG-related conditions. An algorithm developed to predict the effect of missense changes on protein structure and function (PolyPhen-2) suggests that this variant is likely to be tolerated. In summary, the available evidence is currently insufficient to determine the role of this variant in disease. Therefore, it has been classified as a Variant of Uncertain Significance.